The following is an entry in ClinVar:

ClinVar aggregate classification (germline): Pathogenic (1 of 4 stars; one submission).

Conditions:
Nephronophthisis 18 (NPHP18). Identifiers: Orphanet 655, MedGen C3890591, MONDO:0014374, OMIM 615862.

Submission:

Labcorp Genetics (formerly Invitae), Labcorp
Classification: Pathogenic for Nephronophthisis 18. Last evaluated: 2025-02-10. Review status: criteria provided, single submitter. Criteria: Invitae Variant Classification Sherloc (09022015). Collection method: clinical testing. Allele origin: germline.
Comment: This sequence change creates a premature translational stop signal (p.Glu304*) in the CEP83 gene. It is expected to result in an absent or disrupted protein product. Loss-of-function variants in CEP83 are known to be pathogenic (PMID: 23530209, 24882706). This variant is not present in population databases (gnomAD no frequency). This variant has not been reported in the literature in individuals affected with CEP83-related conditions. For these reasons, this variant has been classified as Pathogenic.

Literature cited by the submitters: PubMed 23530209; PubMed 24882706.

NM_016122.3(CEP83):c.910G>T (p.Glu304Ter)

Gene: CEP83 (centrosomal protein 83; minus strand). Cytogenetic location: 12q22.
Variant type: single nucleotide variant.
Coding change: c.910G>T on transcript NM_016122.3 (MANE Select); coding-DNA position 910, G replaced by T.
Protein change: p.Glu304Ter; replaces glutamic acid 304 with a stop codon.
Molecular consequence: nonsense. On other transcripts: non-coding transcript variant (2).
Genome position (GRCh38, 1-based): chr12:94,375,909, C>A on the plus strand (G>T on the coding strand, the complement: CEP83 is on the minus strand). VCF-style: chr12-94375909-C-A. GRCh37 (hg19) VCF-style: chr12-94769685-C-A.
Other names: c.910G>T, p.Glu304Ter (NM_001042399.2, NM_001346457.2, NM_001346460.2 and 3 more transcripts); c.598G>T, p.Glu200Ter (NM_001346458.2, NM_001346459.2, NM_001346462.2 and 2 more transcripts); c.685G>T, p.Glu229Ter (NM_001368041.1); c.373G>T, p.Glu125Ter (NM_001368042.1); short protein forms E229*, E200*, E125*, E304*.
Identifiers: ClinVar variation 4712755 (VCV004712755.1).